The following is an entry in ClinVar:

ClinVar aggregate classification (germline): Uncertain significance (1 of 4 stars; one submission).

Conditions:
RYR1-related disorder. Also called: RYR1-related disorders; RYR1-related condition. Identifiers: MedGen CN239331.

gnomAD v4.1: 1 of 1,613,936 alleles (0.000062%); highest among the groups gnomAD compares: Non-Finnish European, 0.000085%; no homozygotes.

Submission:

PreventionGenetics, part of Exact Sciences
Classification: Uncertain significance for RYR1-related condition. Last evaluated: 2025-07-17. Review status: criteria provided, single submitter. Criteria: ACMG Guidelines, 2015. Collection method: clinical testing. Allele origin: germline.
Comment: The RYR1 c.9856G>A variant is predicted to result in the amino acid substitution p.Glu3286Lys. To our knowledge, this variant has not been reported in the literature or in a large population database (gnomAD), indicating this variant is rare. At this time, the clinical significance of this variant is uncertain due to the absence of conclusive functional and genetic evidence.

NM_000540.3(RYR1):c.9856G>A (p.Glu3286Lys)

Gene: RYR1 (ryanodine receptor 1; plus strand). Cytogenetic location: 19q13.2.
Variant type: single nucleotide variant.
Coding change: c.9856G>A on transcript NM_000540.3 (MANE Select); coding-DNA position 9856, G replaced by A.
Protein change: p.Glu3286Lys; replaces glutamic acid 3286 with lysine.
Molecular consequence: missense variant.
Genome position (GRCh38, 1-based): chr19:38,517,529, G>A. VCF-style: chr19-38517529-G-A. GRCh37 (hg19) VCF-style: chr19-39008169-G-A.
Other names: c.9856G>A, p.Glu3286Lys (NM_001042723.2); short protein forms E3286K.
Identifiers: ClinVar variation 4989349 (VCV004989349.1).